The following is an entry in ClinVar:

NM_001903.5(CTNNA1):c.515A>T (p.Asp172Val)

Gene: CTNNA1 (catenin alpha 1; plus strand). Cytogenetic location: 5q31.2.
Variant type: single nucleotide variant.
Coding change: c.515A>T on transcript NM_001903.5 (MANE Select); coding-DNA position 515, A replaced by T.
Protein change: p.Asp172Val; replaces aspartic acid 172 with valine.
Molecular consequence: missense variant.
Genome position (GRCh38, 1-based): chr5:138,812,229, A>T. VCF-style: chr5-138812229-A-T. GRCh37 (hg19) VCF-style: chr5-138147918-A-T.
Other names: c.515A>T, p.Asp172Val (NM_001290307.3, NM_001323982.2, NM_001323983.1 and 3 more transcripts); c.206A>T, p.Asp69Val (NM_001290309.3); c.146A>T, p.Asp49Val (NM_001290310.3); c.515A>T (NM_001903.2); short protein forms D172V, D49V, D69V.
Identifiers: ClinVar variation 1063456 (VCV001063456.10), dbSNP rs2149736626, ClinGen allele CA361125205.
Genomic context (GRCh38, chr5:138,812,229, plus strand): 5'-TTCTTATTTTATAGGTGGAAGATGGTATCTTGAAGTTGAGGAATGCTGGCAATGAACAAG[A>T]CTTAGGAATCCAGTATAAAGCCCTAAAACCTGAAGTGGATAAGCTGAACATTATGGCAGC-3'
Protein context (NP_001894.2, residues 162-182): LKLRNAGNEQ[Asp172Val]LGIQYKALKP

ClinVar aggregate classification (germline): Uncertain significance. Review status: criteria provided, multiple submitters, no conflicts (2 of 4 stars). 2 submissions from 2 submitters: Uncertain significance (2). Last evaluated 2024-09-04.

Conditions:
Hereditary cancer-predisposing syndrome. Also called: Hereditary Cancer Syndrome; Hereditary neoplastic syndrome; Neoplastic Syndromes, Hereditary; Tumor predisposition. Identifiers: Orphanet 140162, MedGen C0027672, MeSH D009386, MONDO:0015356.

Submissions (2):

Ambry Genetics
Classification: Uncertain significance for Hereditary cancer-predisposing syndrome. Last evaluated: 2024-09-04. Review status: criteria provided, single submitter. Criteria: Ambry Variant Classification Scheme 2023. Collection method: clinical testing. Allele origin: germline.
Comment: The p.D172V variant (also known as c.515A>T), located in coding exon 4 of the CTNNA1 gene, results from an A to T substitution at nucleotide position 515. The aspartic acid at codon 172 is replaced by valine, an amino acid with highly dissimilar properties. This amino acid position is highly conserved in available vertebrate species. In addition, this alteration is predicted to be deleterious by in silico analysis. The evidence for this gene-disease relationship is limited; therefore, the clinical significance of this alteration is unclear.

Labcorp Genetics (formerly Invitae), Labcorp
Classification: Uncertain significance. Last evaluated: 2022-12-10. Review status: criteria provided, single submitter. Criteria: Invitae Variant Classification Sherloc (09022015). Collection method: clinical testing. Allele origin: germline.
Comment: In summary, the available evidence is currently insufficient to determine the role of this variant in disease. Therefore, it has been classified as a Variant of Uncertain Significance. Advanced modeling of protein sequence and biophysical properties (such as structural, functional, and spatial information, amino acid conservation, physicochemical variation, residue mobility, and thermodynamic stability) has been performed at Invitae for this missense variant, however the output from this modeling did not meet the statistical confidence thresholds required to predict the impact of this variant on CTNNA1 protein function. ClinVar contains an entry for this variant (Variation ID: 1063456). This variant has not been reported in the literature in individuals affected with CTNNA1-related conditions. This variant is not present in population databases (gnomAD no frequency). This sequence change replaces aspartic acid, which is acidic and polar, with valine, which is neutral and non-polar, at codon 172 of the CTNNA1 protein (p.Asp172Val).